The following is an entry in ClinVar:

ClinVar aggregate classification (germline): Uncertain significance (1 of 4 stars; one submission).

gnomAD v4.1: 3 of 1,614,170 alleles (0.00019%); highest among the groups gnomAD compares: Non-Finnish European, 0.00025%; no homozygotes.

Submission:

Women's Health and Genetics/Laboratory Corporation of America, LabCorp
Classification: Uncertain significance. Last evaluated: 2025-03-28. Review status: criteria provided, single submitter. Criteria: LabCorp Variant Classification Summary - May 2015. Collection method: clinical testing. Allele origin: germline.
Comment: Variant summary: BMP1 c.2753G>T (p.Gly918Val) results in a non-conservative amino acid change in the encoded protein sequence. Four of five in-silico tools predict a damaging effect of the variant on protein function. The variant was absent in 251346 control chromosomes. The available data on variant occurrences in the general population are insufficient to allow any conclusion about variant significance. To our knowledge, no occurrence of c.2753G>T in individuals affected with Osteogenesis Imperfecta and no experimental evidence demonstrating its impact on protein function have been reported. No submitters have cited clinical-significance assessments for this variant to ClinVar. Based on the evidence outlined above, the variant was classified as uncertain significance.

NM_006129.5(BMP1):c.2753G>T (p.Gly918Val)

Gene: BMP1 (bone morphogenetic protein 1; plus strand). Cytogenetic location: 8p21.3.
Variant type: single nucleotide variant.
Coding change: c.2753G>T on transcript NM_006129.5 (MANE Select); coding-DNA position 2753, G replaced by T.
Protein change: p.Gly918Val; replaces glycine 918 with valine.
Molecular consequence: missense variant. On other transcripts: non-coding transcript variant (1).
Genome position (GRCh38, 1-based): chr8:22,209,622, G>T. VCF-style: chr8-22209622-G-T. GRCh37 (hg19) VCF-style: chr8-22067135-G-T.
Other names: short protein forms G918V.
Identifiers: ClinVar variation 3895788 (VCV003895788.1).